The following is an entry in ClinVar:

ClinVar aggregate classification (germline): Uncertain significance (1 of 4 stars; one submission).

Conditions:
Age related macular degeneration 4. Identifiers: MedGen C1853147, MONDO:0012540, OMIM 610698.

gnomAD v4.1: 1 of 1,609,042 alleles (0.000062%); highest among the groups gnomAD compares: Non-Finnish European, 0.000085%; no homozygotes.

Submission:

Genomenon, Inc
Classification: Uncertain significance for Age related macular degeneration 4. Last evaluated: 2025-10-02. Review status: criteria provided, single submitter. Criteria: Genomenon Sequence Variant Interpretation Standards - Updated. Collection method: curation. Allele origin: germline. Affected: yes.
Comment: CFH p.Phe771Leu (c.2311T>C) is a missense variant that changes the amino acid at residue 771 from Phenylalanine to Leucine. This variant has been observed in at least one proband affected with age-related macular degeneration (PMID:34508573). It is absent or not present at a significant frequency in gnomAD. In silico models agree that this variant is not damaging. In conclusion, we classify CFH p.Phe771Leu (c.2311T>C) as a variant of uncertain significance.

Literature cited by the submitters: PubMed 34508573.

NM_000186.4(CFH):c.2311T>C (p.Phe771Leu)

Gene: CFH (complement factor H; plus strand). Cytogenetic location: 1q31.3.
Variant type: single nucleotide variant.
Coding change: c.2311T>C on transcript NM_000186.4 (MANE Select); coding-DNA position 2311, T replaced by C.
Protein change: p.Phe771Leu; replaces phenylalanine 771 with leucine.
Molecular consequence: missense variant.
Genome position (GRCh38, 1-based): chr1:196,728,420, T>C. VCF-style: chr1-196728420-T-C. GRCh37 (hg19) VCF-style: chr1-196697550-T-C.
Other names: short protein forms F771L.
Identifiers: ClinVar variation 4291467 (VCV004291467.1).
Genomic context (GRCh38, chr1:196,728,420, plus strand): 5'-AAGAAGTGCAAATCATCAAATTTAATTATACTTGAGGAACATTTAAAAAACAAGAAGGAA[T>C]TCGATCATAATTCTAACATAAGGTACAGATGTAGAGGAAAAGAAGGATGGATACACACAG-3'
Protein context (NP_000177.2, residues 761-781): LEEHLKNKKE[Phe771Leu]DHNSNIRYRC